The following is an entry in ClinVar:

NM_001182.5(ALDH7A1):c.412A>C (p.Lys138Gln)

Gene: ALDH7A1 (aldehyde dehydrogenase 7 family member A1; minus strand). Cytogenetic location: 5q23.2.
Variant type: single nucleotide variant.
Coding change: c.412A>C on transcript NM_001182.5 (MANE Select); coding-DNA position 412, A replaced by C.
Protein change: p.Lys138Gln; replaces lysine 138 with glutamine.
Molecular consequence: missense variant.
Genome position (GRCh38, 1-based): chr5:126,582,956, T>G on the plus strand (A>C on the coding strand, the complement: ALDH7A1 is on the minus strand). VCF-style: chr5-126582956-T-G. GRCh37 (hg19) VCF-style: chr5-125918648-T-G.
Other names: c.328A>C, p.Lys110Gln (NM_001201377.2); c.412A>C, p.Lys138Gln (NM_001202404.2); short protein forms K138Q, K110Q.
Identifiers: ClinVar variation 2005792 (VCV002005792.4), dbSNP rs1751226306, ClinGen allele CA360731921.

ClinVar aggregate classification (germline): Uncertain significance (1 of 4 stars; one submission).

Conditions:
Pyridoxine-dependent epilepsy (EPEO4). Also called: PYRIDOXINE DEPENDENCY WITH SEIZURES; Pyridoxine-Dependent Seizures; Pyridoxine-Dependent Epilepsy - ALDH7A1; EPILEPSY, EARLY-ONSET, 4, VITAMIN B6-DEPENDENT. Identifiers: Orphanet 3006, MedGen C1849508, MONDO:0009945, OMIM 266100. Disease mechanism: loss of function.

Submission:

Labcorp Genetics (formerly Invitae), Labcorp
Classification: Uncertain significance for Pyridoxine-dependent epilepsy. Last evaluated: 2022-08-25. Review status: criteria provided, single submitter. Criteria: Invitae Variant Classification Sherloc (09022015). Collection method: clinical testing. Allele origin: germline.
Comment: In summary, the available evidence is currently insufficient to determine the role of this variant in disease. Therefore, it has been classified as a Variant of Uncertain Significance. Advanced modeling of protein sequence and biophysical properties (such as structural, functional, and spatial information, amino acid conservation, physicochemical variation, residue mobility, and thermodynamic stability) performed at Invitae indicates that this missense variant is expected to disrupt ALDH7A1 protein function. This variant has not been reported in the literature in individuals affected with ALDH7A1-related conditions. This variant is not present in population databases (gnomAD no frequency). This sequence change replaces lysine, which is basic and polar, with glutamine, which is neutral and polar, at codon 138 of the ALDH7A1 protein (p.Lys138Gln).